The following is an entry in ClinVar:

ClinVar aggregate classification (germline): Uncertain significance. Review status: criteria provided, multiple submitters, no conflicts (2 of 4 stars). 2 submissions from 2 submitters: Uncertain significance (2). Last evaluated 2023-12-05.

Conditions:
Hereditary nonpolyposis colorectal neoplasms. Identifiers: MedGen C0009405, MeSH D003123.
Hereditary cancer-predisposing syndrome. Also called: Hereditary Cancer Syndrome; Hereditary neoplastic syndrome; Neoplastic Syndromes, Hereditary; Tumor predisposition. Identifiers: Orphanet 140162, MedGen C0027672, MeSH D009386, MONDO:0015356.

Submissions (2):

Color Diagnostics, LLC DBA Color Health
Classification: Uncertain significance for Hereditary cancer-predisposing syndrome. Last evaluated: 2023-12-05. Review status: criteria provided, single submitter. Criteria: ACMG Guidelines, 2015. Collection method: clinical testing. Allele origin: germline.
Comment: This missense variant replaces arginine with serine at codon 175 of the PMS2 protein. Computational prediction is inconclusive regarding the impact of this variant on protein structure and function (internally defined REVEL score threshold 0.5 < inconclusive < 0.7, PMID: 27666373). To our knowledge, functional studies have not been reported for this variant. This variant has not been reported in individuals affected with PMS2-related disorders in the literature. This variant has not been identified in the general population by the Genome Aggregation Database (gnomAD). The available evidence is insufficient to determine the role of this variant in disease conclusively. Therefore, this variant is classified as a Variant of Uncertain Significance.

Labcorp Genetics (formerly Invitae), Labcorp
Classification: Uncertain significance for Hereditary nonpolyposis colorectal neoplasms. Last evaluated: 2022-10-31. Review status: criteria provided, single submitter. Criteria: Invitae Variant Classification Sherloc (09022015). Collection method: clinical testing. Allele origin: germline.
Comment: This sequence change replaces arginine, which is basic and polar, with serine, which is neutral and polar, at codon 175 of the PMS2 protein (p.Arg175Ser). This variant is not present in population databases (gnomAD no frequency). This variant has not been reported in the literature in individuals affected with PMS2-related conditions. ClinVar contains an entry for this variant (Variation ID: 455727). Advanced modeling of protein sequence and biophysical properties (such as structural, functional, and spatial information, amino acid conservation, physicochemical variation, residue mobility, and thermodynamic stability) performed at Invitae indicates that this missense variant is expected to disrupt PMS2 protein function. In summary, the available evidence is currently insufficient to determine the role of this variant in disease. Therefore, it has been classified as a Variant of Uncertain Significance.

NM_000535.7(PMS2):c.525G>T (p.Arg175Ser)

Gene: PMS2 (PMS1 homolog 2, mismatch repair system component; minus strand). Cytogenetic location: 7p22.1.
Variant type: single nucleotide variant.
Coding change: c.525G>T on transcript NM_000535.7 (MANE Select); coding-DNA position 525, G replaced by T.
Protein change: p.Arg175Ser; replaces arginine 175 with serine.
Molecular consequence: missense variant. On other transcripts: non-coding transcript variant (1), 5 prime UTR variant (2).
Genome position (GRCh38, 1-based): chr7:6,002,465, C>A on the plus strand (G>T on the coding strand, the complement: PMS2 is on the minus strand). VCF-style: chr7-6002465-C-A. GRCh37 (hg19) VCF-style: chr7-6042096-C-A.
Other names: c.525G>T, p.Arg175Ser (NM_001322014.2, NM_001322006.2); c.216G>T, p.Arg72Ser (NM_001322015.2); c.120G>T, p.Arg40Ser (NM_001322003.2, NM_001322004.2, NM_001322005.2 and 3 more transcripts); c.207G>T, p.Arg69Ser (NM_001322007.2, NM_001322008.2); c.-360G>T (NM_001322011.2, NM_001322012.2); short protein forms R175S, R40S, R69S, R72S.
Identifiers: ClinVar variation 455727 (VCV000455727.13), dbSNP rs1554303870, ClinGen allele CA366744174.